The following is an entry in ClinVar:

NM_000391.4(TPP1):c.152T>C (p.Phe51Ser)

Gene: TPP1 (tripeptidyl peptidase 1; minus strand). Cytogenetic location: 11p15.4.
Variant type: single nucleotide variant.
Coding change: c.152T>C on transcript NM_000391.4 (MANE Select); coding-DNA position 152, T replaced by C.
Protein change: p.Phe51Ser; replaces phenylalanine 51 with serine.
Molecular consequence: missense variant.
Genome position (GRCh38, 1-based): chr11:6,618,853, A>G on the plus strand (T>C on the coding strand, the complement: TPP1 is on the minus strand). VCF-style: chr11-6618853-A-G. GRCh37 (hg19) VCF-style: chr11-6640084-A-G.
Other names: short protein forms F51S.
Identifiers: ClinVar variation 2162668 (VCV002162668.3), dbSNP rs931480136, ClinGen allele CA217325539.

ClinVar aggregate classification (germline): Uncertain significance (1 of 4 stars; one submission).

Submission:

Labcorp Genetics (formerly Invitae), Labcorp
Classification: Uncertain significance. Last evaluated: 2024-12-16. Review status: criteria provided, single submitter. Criteria: Invitae Variant Classification Sherloc (09022015). Collection method: clinical testing. Allele origin: germline.
Comment: This sequence change replaces phenylalanine, which is neutral and non-polar, with serine, which is neutral and polar, at codon 51 of the TPP1 protein (p.Phe51Ser). This variant is not present in population databases (gnomAD no frequency). This variant has not been reported in the literature in individuals affected with TPP1-related conditions. ClinVar contains an entry for this variant (Variation ID: 2162668). Invitae Evidence Modeling of protein sequence and biophysical properties (such as structural, functional, and spatial information, amino acid conservation, physicochemical variation, residue mobility, and thermodynamic stability) indicates that this missense variant is expected to disrupt TPP1 protein function with a positive predictive value of 95%. In summary, the available evidence is currently insufficient to determine the role of this variant in disease. Therefore, it has been classified as a Variant of Uncertain Significance.